The following is an entry in ClinVar:

NM_002150.3(HPD):c.442dup (p.Glu148fs)

Genes: HPD (4-hydroxyphenylpyruvate dioxygenase; minus strand), TIALD (transcript inducer of AURKA lysosomal degradation; plus strand). Cytogenetic location: 12q24.31.
Variant type: Duplication.
Coding change: c.442dup on transcript NM_002150.3 (MANE Select); coding-DNA position 442, one base duplicated (G; older notation c.442dupG).
Protein change: p.Glu148fs; shifts the reading frame from glutamic acid 148.
Molecular consequence: frameshift variant.
Genome position (GRCh38, 1-based): chr12:121,849,763, C duplicated on the plus strand (G on the coding strand, the reverse complement: HPD is on the minus strand); the first of 2 consecutive C bases (chr12:121,849,763-121,849,764); duplicating either gives the same sequence. VCF-style (leftmost placement, unchanged base first): chr12-121849762-T-TC. GRCh37 (hg19) VCF-style: chr12-122287668-T-TC.
Other names: c.325dup, p.Glu109fs (NM_001171993.2); c.442dupG (NM_002150.3); short protein forms E109fs, E148fs.
Identifiers: ClinVar variation 3339459 (VCV003339459.1).

ClinVar aggregate classification (germline): Pathogenic (1 of 4 stars; one submission).

Conditions:
Tyrosinemia type III. Also called: Tyrosinemia type 3; 4-alpha hydroxyphenylpyruvic acid oxidase deficiency; 4-alpha hydroxyphenylpyruvate dioxygenase deficiency; 4-Hydroxyphenylpyruvate dioxygenase deficiency; 4-HYDROXYPHENYLPYRUVIC ACID OXIDASE DEFICIENCY. Identifiers: Orphanet 69723, MedGen C0268623, MONDO:0010162, OMIM 276710.

Submission:

Women's Health and Genetics/Laboratory Corporation of America, LabCorp
Classification: Pathogenic for Tyrosinemia type III. Last evaluated: 2024-07-31. Review status: criteria provided, single submitter. Criteria: LabCorp Variant Classification Summary - May 2015. Collection method: clinical testing. Allele origin: germline.
Comment: Variant summary: HPD c.442dupG (p.Glu148GlyfsX14) results in a premature termination codon, predicted to cause a truncation of the encoded protein or absence of the protein due to nonsense mediated decay. Loss of function variants in HPD are an established mechanism for disease. The variant was absent in 251330 control chromosomes. To our knowledge, no occurrence of c.442dupG in individuals affected with Autosomal Recessive-Tyrosinemia Type 3/Autosomal Dominant Hawkinsinuria and no experimental evidence demonstrating its impact on protein function have been reported. No submitters have cited clinical-significance assessments for this variant to ClinVar. Based on the evidence outlined above, the variant was classified as pathogenic.